The following is an entry in ClinVar:

NM_000051.4(ATM):c.1083C>T (p.Thr361=)

Gene: ATM (ATM serine/threonine kinase; plus strand). Cytogenetic location: 11q22.3.
Variant type: single nucleotide variant.
Coding change: c.1083C>T on transcript NM_000051.4 (MANE Select); coding-DNA position 1083, C replaced by T.
Protein change: p.Thr361=; no amino-acid change (threonine 361 retained).
Molecular consequence: synonymous variant.
Genome position (GRCh38, 1-based): chr11:108,248,950, C>T. VCF-style: chr11-108248950-C-T. GRCh37 (hg19) VCF-style: chr11-108119677-C-T.
Other names: c.1083C>T, p.Thr361= (NM_001351834.2).
Identifiers: ClinVar variation 481344 (VCV000481344.8), dbSNP rs1555069552, ClinGen allele CA476671648.

ClinVar aggregate classification (germline): Conflicting classifications of pathogenicity. Review status: criteria provided, conflicting classifications (1 of 4 stars). 2 submissions from 2 submitters: Uncertain significance (1); Likely benign (1). Last evaluated 2024-01-28.

Conditions:
Hereditary cancer-predisposing syndrome. Also called: Hereditary neoplastic syndrome; Neoplastic Syndromes, Hereditary; Tumor predisposition; Hereditary Cancer Syndrome. Identifiers: Orphanet 140162, MedGen C0027672, MeSH D009386, MONDO:0015356.
Ataxia-telangiectasia syndrome (AT). Also called: LOUIS-BAR SYNDROME; Cerebello-oculocutaneous telangiectasia; Immunodeficiency with ataxia telangiectasia; AT, COMPLEMENTATION GROUP C; Ataxia-telangiectasia, complementation group D; ATAXIA-TELANGIECTASIA, COMPLEMENTATION GROUP A. Identifiers: Orphanet 100, MedGen C0004135, MONDO:0008840, OMIM 208900.

Submissions (2):

Labcorp Genetics (formerly Invitae), Labcorp
Classification: Uncertain significance for Ataxia-telangiectasia syndrome. Last evaluated: 2024-01-28. Review status: criteria provided, single submitter. Criteria: Invitae Variant Classification Sherloc (09022015). Collection method: clinical testing. Allele origin: germline.
Comment: This sequence change affects codon 361 of the ATM mRNA. It is a 'silent' change, meaning that it does not change the encoded amino acid sequence of the ATM protein. This variant is not present in population databases (gnomAD no frequency). This variant has not been reported in the literature in individuals affected with ATM-related conditions. ClinVar contains an entry for this variant (Variation ID: 481344). Algorithms developed to predict the effect of sequence changes on RNA splicing suggest that this variant may disrupt the consensus splice site. In summary, the available evidence is currently insufficient to determine the role of this variant in disease. Therefore, it has been classified as a Variant of Uncertain Significance.

Ambry Genetics
Classification: Likely benign for Hereditary cancer-predisposing syndrome. Last evaluated: 2017-05-13. Review status: criteria provided, single submitter. Criteria: Ambry Variant Classification Scheme 2023. Collection method: clinical testing. Allele origin: germline.